The following is an entry in ClinVar:

NM_000091.5(COL4A3):c.2894_2895insCCAAACATCCTGTGGC (p.Pro966fs)

Genes: COL4A3 (collagen type IV alpha 3 chain; plus strand), MFF-DT (MFF divergent transcript; minus strand). Cytogenetic location: 2q36.3.
Variant type: Insertion.
Coding change: c.2894_2895insCCAAACATCCTGTGGC on transcript NM_000091.5 (MANE Select); coding-DNA positions 2894 to 2895, CCAAACATCCTGTGGC inserted.
Protein change: p.Pro966fs; shifts the reading frame from proline 966.
Molecular consequence: frameshift variant.
Genome position: GRCh38 VCF-style: chr2-227289162-A-ACCAAACATCCTGTGGC. GRCh37 (hg19) VCF-style: chr2-228153878-A-ACCAAACATCCTGTGGC.
Other names: short protein forms P966fs.
Identifiers: ClinVar variation 5012333 (VCV005012333.1).

ClinVar aggregate classification (germline): Pathogenic (1 of 4 stars; one submission).

Conditions:
Alport syndrome. Also called: Hemorrhagic familial nephritis; Hemorrhagic hereditary nephritis; Congenital hereditary hematuria. Identifiers: Orphanet 63, MedGen C1567741, MONDO:0018965.

Submission:

Myriad Genetics, Inc.
Classification: Pathogenic for Alport syndrome. Last evaluated: 2023-09-29. Review status: criteria provided, single submitter. Criteria: Myriad Autosomal Dominant, Autosomal Recessive and X-Linked Classification Criteria (2023). Collection method: clinical testing. Allele origin: unknown.
Comment: NM_000091.4(COL4A3):c.2894_2895ins16(P966Qfs*8) is expected to be pathogenic in the context of Alport syndrome, COL4A3-related. This variant is predicted to lead to an abnormal or absent protein product due to the creation of a premature termination codon in COL4A3, a gene where loss-of-function variants are known to be pathogenic. Please note: this variant was assessed in the context of healthy population screening.